The following is an entry in ClinVar:

ClinVar aggregate classification (germline): Likely benign. Review status: criteria provided, multiple submitters, no conflicts (2 of 4 stars). 7 submissions from 5 submitters: Likely benign (7). Last evaluated 2026-05-23.

Conditions:
Cardiovascular phenotype. Identifiers: MedGen CN230736.
Hypertrophic cardiomyopathy 2. Also called: TNNT2-Related Familial Hypertrophic Cardiomyopathy. Identifiers: MedGen C1861864, MONDO:0007266, OMIM 115195.
Dilated cardiomyopathy 1D. Identifiers: Orphanet 154, Orphanet 54260, MedGen C1832243, MONDO:0011095, OMIM 601494.
Cardiomyopathy, familial restrictive, 3. Identifiers: Orphanet 75249, MedGen C2676271, MONDO:0012900, OMIM 612422.
Cardiomyopathy (CMYO). Also called: Cardiomyopathies. Identifiers: Orphanet 167848, MedGen C0878544, MONDO:0004994, HP:0001638. Inheritance: Various modes of inheritance.

Allele frequency attached by ClinVar (database versions not stated): TOPMed 0.00002; gnomAD 0.00001.
gnomAD v4.1: 13 of 1,613,910 alleles (0.00081%); highest among the groups gnomAD compares: Non-Finnish European, 0.0011%; no homozygotes.

Submissions (7):

Ambry Genetics
Classification: Likely benign for Cardiovascular phenotype. Last evaluated: 2026-05-23. Review status: criteria provided, single submitter. Criteria: Ambry Variant Classification Scheme 2023. Collection method: clinical testing. Allele origin: germline.

Labcorp Genetics (formerly Invitae), Labcorp
Classification: Likely benign for Cardiomyopathy, familial restrictive, 3; Hypertrophic cardiomyopathy 2; Dilated cardiomyopathy 1D. Last evaluated: 2025-12-16. Review status: criteria provided, single submitter. Criteria: Invitae Variant Classification Sherloc (09022015). Collection method: clinical testing. Allele origin: germline.

All of Us Research Program, National Institutes of Health
Classification: Likely benign for Cardiomyopathy. Last evaluated: 2023-06-26. Review status: criteria provided, single submitter. Criteria: ACMG Guidelines, 2015. Collection method: clinical testing. Allele origin: germline. Inheritance: Autosomal dominant inheritance. Observed: 3 variant alleles, 3 heterozygotes.
Comment: This study involves interpretation of variants in research participants for the purpose of population health screening. Participant phenotype was not available at the time of variant classification. Additional details can be found in publication PMID: 35346344, PMCID: PMC8962531

Genome-Nilou Lab
Classification: Likely benign for Dilated cardiomyopathy 1D. Last evaluated: 2023-04-11. Review status: criteria provided, single submitter. Criteria: ACMG Guidelines, 2015. Collection method: clinical testing. Allele origin: germline. Affected: no.

Genome-Nilou Lab
Classification: Likely benign for Cardiomyopathy, familial restrictive, 3. Last evaluated: 2023-04-11. Review status: criteria provided, single submitter. Criteria: ACMG Guidelines, 2015. Collection method: clinical testing. Allele origin: germline. Affected: no.

Genome-Nilou Lab
Classification: Likely benign for Hypertrophic cardiomyopathy 2. Last evaluated: 2023-04-11. Review status: criteria provided, single submitter. Criteria: ACMG Guidelines, 2015. Collection method: clinical testing. Allele origin: germline. Affected: no.

Color Diagnostics, LLC DBA Color Health
Classification: Likely benign for Cardiomyopathy. Last evaluated: 2021-05-04. Review status: criteria provided, single submitter. Criteria: ACMG Guidelines, 2015. Collection method: clinical testing. Allele origin: germline.

NM_001276345.2(TNNT2):c.255G>A (p.Val85=)

Gene: TNNT2 (troponin T2, cardiac type; minus strand). Cytogenetic location: 1q32.1.
Variant type: single nucleotide variant.
Coding change: c.255G>A on transcript NM_001276345.2 (MANE Select); coding-DNA position 255, G replaced by A.
Protein change: p.Val85=; no amino-acid change (valine 85 retained).
Molecular consequence: synonymous variant.
Genome position (GRCh38, 1-based): chr1:201,365,649, C>T on the plus strand (G>A on the coding strand, the complement: TNNT2 is on the minus strand). VCF-style: chr1-201365649-C-T. GRCh37 (hg19) VCF-style: chr1-201334777-C-T.
Other names: c.255G>A, p.Val85= (NM_000364.4); c.225G>A, p.Val75= (NM_001001430.3, NM_001001431.3, NM_001276347.2); c.210G>A, p.Val70= (NM_001001432.3); c.252G>A, p.Val84= (NM_001276346.2).
Identifiers: ClinVar variation 537262 (VCV000537262.15), dbSNP rs780115529, ClinGen allele CA422532781.